The following is an entry in ClinVar:

NM_004415.4(DSP):c.1310A>G (p.Asn437Ser)

Gene: DSP (desmoplakin; plus strand). Cytogenetic location: 6p24.3.
Variant type: single nucleotide variant.
Coding change: c.1310A>G on transcript NM_004415.4 (MANE Select); coding-DNA position 1310, A replaced by G.
Protein change: p.Asn437Ser; replaces asparagine 437 with serine.
Molecular consequence: missense variant.
Genome position (GRCh38, 1-based): chr6:7,568,480, A>G. VCF-style: chr6-7568480-A-G. GRCh37 (hg19) VCF-style: chr6-7568713-A-G.
Other names: c.1310A>G, p.Asn437Ser (NM_001008844.3, NM_001319034.2); short protein forms N437S.
Identifiers: ClinVar variation 1059774 (VCV001059774.9), dbSNP rs2113674233, ClinGen allele CA362676377.

ClinVar aggregate classification (germline): Uncertain significance (1 of 4 stars; one submission).

Conditions:
Arrhythmogenic cardiomyopathy with wooly hair and keratoderma. Also called: Arrhythmogenic cardiomyopathy with woolly hair and keratoderma; Carvajal syndrome; Dilated cardiomyopathy with woolly hair and keratoderma; PALMOPLANTAR KERATODERMA WITH LEFT VENTRICULAR CARDIOMYOPATHY AND WOOLLY HAIR. Identifiers: Orphanet 65282, MedGen C1854063, MONDO:0011581, OMIM 605676.
Arrhythmogenic right ventricular dysplasia 8 (ARVD8). Also called: Arrhythmogenic Right Ventricular Dysplasia/Cardiomyopathy 8; ARRHYTHMOGENIC RIGHT VENTRICULAR DYSPLASIA, FAMILIAL, 8; ARRHYTHMOGENIC RIGHT VENTRICULAR CARDIOMYOPATHY 8. Identifiers: MedGen C1843896, MONDO:0011831, OMIM 607450.

Submission:

Labcorp Genetics (formerly Invitae), Labcorp
Classification: Uncertain significance for Arrhythmogenic cardiomyopathy with wooly hair and keratoderma; Arrhythmogenic right ventricular dysplasia 8. Last evaluated: 2020-12-18. Review status: criteria provided, single submitter. Criteria: Invitae Variant Classification Sherloc (09022015). Collection method: clinical testing. Allele origin: germline.
Comment: This sequence change replaces asparagine with serine at codon 437 of the DSP protein (p.Asn437Ser). The asparagine residue is moderately conserved and there is a small physicochemical difference between asparagine and serine. This variant is not present in population databases (ExAC no frequency). This variant has not been reported in the literature in individuals with DSP-related conditions. Algorithms developed to predict the effect of missense changes on protein structure and function output the following: SIFT: "Tolerated"; PolyPhen-2: "Benign"; Align-GVGD: "Class C0". The serine amino acid residue is found in multiple mammalian species, suggesting that this missense change does not adversely affect protein function. These predictions have not been confirmed by published functional studies and their clinical significance is uncertain. In summary, the available evidence is currently insufficient to determine the role of this variant in disease. Therefore, it has been classified as a Variant of Uncertain Significance.